The following is an entry in ClinVar:

ClinVar aggregate classification (germline): Pathogenic (1 of 4 stars; one submission).

Submission:

GeneDx
Classification: Pathogenic. Last evaluated: 2025-01-27. Review status: criteria provided, single submitter. Criteria: GeneDx Variant Classification Process June 2021. Collection method: clinical testing. Allele origin: germline. Affected: yes.
Comment: Nonsense variant predicted to result in protein truncation, as the last 720 amino acids are lost, and other loss-of-function variants have been reported downstream in HGMD; Not observed at significant frequency in large population cohorts (gnomAD); Has not been previously published as pathogenic or benign to our knowledge

NM_006766.5(KAT6A):c.3853C>T (p.Gln1285Ter)

Gene: KAT6A (lysine acetyltransferase 6A; minus strand). Cytogenetic location: 8p11.21.
Variant type: single nucleotide variant.
Coding change: c.3853C>T on transcript NM_006766.5 (MANE Select); coding-DNA position 3853, C replaced by T.
Protein change: p.Gln1285Ter; replaces glutamine 1285 with a stop codon.
Molecular consequence: nonsense.
Genome position (GRCh38, 1-based): chr8:41,934,367, G>A on the plus strand (C>T on the coding strand, the complement: KAT6A is on the minus strand). VCF-style: chr8-41934367-G-A. GRCh37 (hg19) VCF-style: chr8-41791885-G-A.
Other names: short protein forms Q1285*.
Identifiers: ClinVar variation 4071850 (VCV004071850.1).